The following is an entry in ClinVar:

NC_000020.10:g.(?_35539601)_(35580066_?)dup

Gene: SAMHD1 (SAM and HD domain containing deoxynucleoside triphosphate triphosphohydrolase 1; minus strand). Cytogenetic location: 20q11.23.
Variant type: Duplication.
Identifiers: ClinVar variation 2426163 (VCV002426163.2).

ClinVar aggregate classification (germline): Uncertain significance (1 of 4 stars; one submission).

Conditions:
Aicardi-Goutieres syndrome 5. Identifiers: Orphanet 51, MedGen C2749659, MONDO:0013059, OMIM 612952.

Submission:

Labcorp Genetics (formerly Invitae), Labcorp
Classification: Uncertain significance for Aicardi-Goutieres syndrome 5. Last evaluated: 2022-03-03. Review status: criteria provided, single submitter. Criteria: Invitae Variant Classification Sherloc (09022015). Collection method: clinical testing. Allele origin: germline.
Comment: This variant results in a copy number gain of the genomic region encompassing exon(s) 1-11 of the SAMHD1 gene. This region includes the initiator codon of the gene. This copy number gain extends beyond the assayed region for this gene and therefore may encompass additional genes. As the precise location of this event is unknown, it may be in tandem or it may be located elsewhere in the genome. This variant has not been reported in the literature in individuals affected with SAMHD1-related conditions. Experimental studies and prediction algorithms are not available or were not evaluated, and the functional significance of this variant is currently unknown. In summary, the available evidence is currently insufficient to determine the role of this variant in disease. Therefore, it has been classified as a Variant of Uncertain Significance.